The following is an entry in ClinVar:

NM_001098668.4(SFTPA2):c.253C>T (p.Arg85Cys)

Gene: SFTPA2 (surfactant protein A2; minus strand). Cytogenetic location: 10q22.3.
Variant type: single nucleotide variant.
Coding change: c.253C>T on transcript NM_001098668.4 (MANE Select); coding-DNA position 253, C replaced by T.
Protein change: p.Arg85Cys; replaces arginine 85 with cysteine.
Molecular consequence: missense variant.
Genome position (GRCh38, 1-based): chr10:79,558,925, G>A on the plus strand (C>T on the coding strand, the complement: SFTPA2 is on the minus strand). VCF-style: chr10-79558925-G-A. GRCh37 (hg19) VCF-style: chr10-81318681-G-A.
Other names: c.253C>T, p.Arg85Cys (NM_001320813.2); c.283C>T, p.Arg95Cys (NM_001320814.1); short protein forms R85C, R95C.
Identifiers: ClinVar variation 619212 (VCV000619212.13), dbSNP rs150273659, ClinGen allele CA5574137.
Genomic context (GRCh38, chr10:79,558,925, plus strand): 5'-CACCTGCCCCGCCCTGCTCACCTGGAGGGCCTCTCTCGCCAGCCTCCCCCTTCTCTCCAC[G>A]CTCTCCAGGGACACCAGGGGCTCCAGGCAGCCCATTATTCCCAGGAGGACATGGTGTTTC-3'
Protein context (NP_001092138.1, residues 75-95): LPGAPGVPGE[Arg85Cys]GEKGEAGERG

ClinVar aggregate classification (germline): Conflicting classifications of pathogenicity. Review status: criteria provided, conflicting classifications (1 of 4 stars). 5 submissions from 5 submitters: Uncertain significance (1); Benign (1); Likely benign (2). 1 of the submissions does not count toward it. Last evaluated 2024-11-27.

Conditions:
Interstitial lung disease 2 (ILD2). Also called: Familial idiopathic pulmonary fibrosis; FIBROCYSTIC PULMONARY DYSPLASIA; FIBROSING ALVEOLITIS, CRYPTOGENIC. Identifiers: Orphanet 2032, Orphanet 79126, MedGen C5561926, MONDO:0800497, OMIM 178500, MONDO:0800029.
SFTPA2-related disorder. Also called: SFTPA2-related condition.

Allele frequency attached by ClinVar (database versions not stated): gnomAD 0.00321 and 0.00327; ESP Exome Variant Server 0.00331; TOPMed 0.00378; 1000 Genomes Project 30x 0.00422; 1000 Genomes Project 0.00479.

Submissions (5):

Blueprint Genetics
Classification: Likely benign. Last evaluated: 2024-11-27. Review status: criteria provided, single submitter. Criteria: ACMG Guidelines, 2015. Collection method: clinical testing. Allele origin: germline.

Labcorp Genetics (formerly Invitae), Labcorp
Classification: Benign. Last evaluated: 2019-12-31. Review status: criteria provided, single submitter. Criteria: Invitae Variant Classification Sherloc (09022015). Collection method: clinical testing. Allele origin: germline.

Johns Hopkins Genomics, Johns Hopkins University
Classification: Uncertain significance for Interstitial lung disease 2. Last evaluated: 2019-01-23. Review status: criteria provided, single submitter. Criteria: ACMG Guidelines, 2015. Collection method: clinical testing. Allele origin: germline.
Comment: This SFTPA2 variant (rs150273659) has been identified in large population datasets and the minor allele frequency is neither low enough to consider the variant rare (>0.1%) nor high enough to consider it a population polymorphism (>1%) [gnomAD: 835/282794 alleles; 0.3%, 3 homozygotes]. SFTPA2 c.253C>T has not been reported in ClinVar, to our knowledge. Two bioinformatic tools queried predict that this substitution would be tolerated, and the arginine residue at this position is not evolutionarily conserved across the species assessed. Cysteine is the native residue at this position in the SP-A1 protein, and in vitro experiments that express SP-A2 protein with cysteine at this position instead of arginine show a possible effect on the protein's structure and function, but these results have not been independently replicated. Due to insufficient evidence that this variant is deleterious, the clinical significance of c.253C>T is uncertain at this time.

Laboratory for Molecular Medicine, Mass General Brigham Personalized Medicine
Classification: Likely benign. Last evaluated: 2019-01-22. Review status: criteria provided, single submitter. Criteria: LMM Criteria. Collection method: clinical testing. Allele origin: germline. Observed: 1 variant allele.
Comment: p.Arg85Cys in exon 4 of SFTPA2: This variant is not expected to have clinical significance because it has been identified in 1.4% (295/19950) of East Asian chromosomes by the Genome Aggregation Database (gnomAD; dbSNP rs150273659).

PreventionGenetics, part of Exact Sciences
Classification: Benign for SFTPA2-related condition. Last evaluated: 2019-05-17. Review status: no assertion criteria provided. Collection method: clinical testing. Allele origin: germline. Not counted in ClinVar's aggregate classification.
Comment: This variant is classified as benign based on ACMG/AMP sequence variant interpretation guidelines (Richards et al. 2015 PMID: 25741868, with internal and published modifications).

Literature cited by the submitters: PubMed 17580966 (cited by Johns Hopkins Genomics, Johns Hopkins University and Laboratory for Molecular Medicine, Mass General Brigham Personalized Medicine); PubMed 22853774 (cited by Laboratory for Molecular Medicine, Mass General Brigham Personalized Medicine).